The following is an entry in ClinVar:

NM_001481.3(DRC4):c.244C>T (p.Arg82Trp)

Gene: DRC4 (dynein regulatory complex subunit 4; plus strand). Cytogenetic location: 16q24.3.
Variant type: single nucleotide variant.
Coding change: c.244C>T on transcript NM_001481.3 (MANE Select); coding-DNA position 244, C replaced by T.
Protein change: p.Arg82Trp; replaces arginine 82 with tryptophan.
Molecular consequence: missense variant. On other transcripts: 5 prime UTR variant (2).
Genome position (GRCh38, 1-based): chr16:90,031,452, C>T. VCF-style: chr16-90031452-C-T. GRCh37 (hg19) VCF-style: chr16-90097860-C-T.
Other names: c.-6C>T (NM_001286205.2); c.-278C>T (NM_001286208.2); c.169C>T, p.Arg57Trp (NM_001286209.2); short protein forms R57W, R82W.
Identifiers: ClinVar variation 571141 (VCV000571141.9), dbSNP rs773018940, ClinGen allele CA8257721.

ClinVar aggregate classification (germline): Uncertain significance. Review status: criteria provided, multiple submitters, no conflicts (2 of 4 stars). 2 submissions from 2 submitters: Uncertain significance (2). Last evaluated 2022-08-09.

Conditions:
Primary ciliary dyskinesia 33. Also called: CILIARY DYSKINESIA, PRIMARY, 33, WITHOUT SITUS INVERSUS. Identifiers: Orphanet 244, MedGen C4225230, MONDO:0014750, OMIM 616726.

Allele frequency attached by ClinVar (database versions not stated): gnomAD exomes 0.00004 and 0.00010; gnomAD 0.00005 and 0.00006; TOPMed 0.00010; ExAC 0.00013.
gnomAD v4.1: 78 of 1,601,202 alleles (0.0049%); highest among the groups gnomAD compares: Middle Eastern, 0.05%; no homozygotes.

Submissions (2):

Labcorp Genetics (formerly Invitae), Labcorp
Classification: Uncertain significance for Primary ciliary dyskinesia 33. Last evaluated: 2022-08-09. Review status: criteria provided, single submitter. Criteria: Invitae Variant Classification Sherloc (09022015). Collection method: clinical testing. Allele origin: germline.
Comment: This sequence change replaces arginine, which is basic and polar, with tryptophan, which is neutral and slightly polar, at codon 82 of the GAS8 protein (p.Arg82Trp). The frequency data for this variant in the population databases is considered unreliable, as metrics indicate poor data quality at this position in the gnomAD database. This variant has not been reported in the literature in individuals affected with GAS8-related conditions. ClinVar contains an entry for this variant (Variation ID: 571141). Algorithms developed to predict the effect of missense changes on protein structure and function are either unavailable or do not agree on the potential impact of this missense change (SIFT: "Deleterious"; PolyPhen-2: "Probably Damaging"; Align-GVGD: "Class C15"). In summary, the available evidence is currently insufficient to determine the role of this variant in disease. Therefore, it has been classified as a Variant of Uncertain Significance.

Breakthrough Genomics
Classification: Uncertain significance. Review status: criteria provided, single submitter. Criteria: ACMG Guidelines, 2015. Collection method: not provided. Allele origin: germline. Inheritance: Autosomal recessive inheritance. Affected: yes.